The following is an entry in ClinVar:

NM_007317.3(KIF22):c.1369G>T (p.Gly457Trp)

Gene: KIF22 (kinesin family member 22; plus strand). Cytogenetic location: 16p11.2.
Variant type: single nucleotide variant.
Coding change: c.1369G>T on transcript NM_007317.3 (MANE Select); coding-DNA position 1369, G replaced by T.
Protein change: p.Gly457Trp; replaces glycine 457 with tryptophan.
Molecular consequence: missense variant.
Genome position (GRCh38, 1-based): chr16:29,802,857, G>T. VCF-style: chr16-29802857-G-T. GRCh37 (hg19) VCF-style: chr16-29814178-G-T.
Other names: c.1165G>T, p.Gly389Trp (NM_001256269.2, NM_001256270.1); short protein forms G457W, G389W.
Identifiers: ClinVar variation 4742305 (VCV004742305.1).

ClinVar aggregate classification (germline): Uncertain significance (1 of 4 stars; one submission).

gnomAD v4.1: 1 of 1,611,440 alleles (0.000062%); highest among the groups gnomAD compares: East Asian, 0.0022%; no homozygotes.

Submission:

Labcorp Genetics (formerly Invitae), Labcorp
Classification: Uncertain significance. Last evaluated: 2026-01-26. Review status: criteria provided, single submitter. Criteria: Invitae Variant Classification Sherloc (09022015). Collection method: clinical testing. Allele origin: germline.
Comment: This sequence change replaces glycine, which is neutral and non-polar, with tryptophan, which is neutral and slightly polar, at codon 457 of the KIF22 protein (p.Gly457Trp). This variant is present in population databases (no rsID available, gnomAD 0.006%). This variant has not been reported in the literature in individuals affected with KIF22-related conditions. Invitae Evidence Modeling of protein sequence and biophysical properties (such as structural, functional, and spatial information, amino acid conservation, physicochemical variation, residue mobility, and thermodynamic stability) indicates that this missense variant is not expected to disrupt KIF22 protein function with a negative predictive value of 80%. In summary, the available evidence is currently insufficient to determine the role of this variant in disease. Therefore, it has been classified as a Variant of Uncertain Significance.